The following is an entry in ClinVar:

ClinVar aggregate classification (germline): Pathogenic (1 of 4 stars; one submission).

Allele frequency attached by ClinVar (database versions not stated): gnomAD exomes below 0.00001; TOPMed below 0.00001; ExAC 0.00001; gnomAD 0.00001.
gnomAD v4.1: 2 of 1,614,086 alleles (0.00012%); highest among the groups gnomAD compares: Non-Finnish European, 0.00017%; no homozygotes.

Submissions (2):

Labcorp Genetics (formerly Invitae), Labcorp
Classification: Pathogenic. Last evaluated: 2024-04-09. Review status: criteria provided, single submitter. Criteria: Invitae Variant Classification Sherloc (09022015). Collection method: clinical testing. Allele origin: germline.
Comment: This sequence change affects an acceptor splice site in intron 11 of the ASAH1 gene. It is expected to disrupt RNA splicing. Variants that disrupt the donor or acceptor splice site typically lead to a loss of protein function (PMID: 16199547), and loss-of-function variants in ASAH1 are known to be pathogenic (PMID: 24164096, 24355074). This variant is not present in population databases (gnomAD no frequency). Disruption of this splice site has been observed in individual(s) with spinal muscular atrophy (Invitae). In at least one individual the data is consistent with being in trans (on the opposite chromosome) from a pathogenic variant. ClinVar contains an entry for this variant (Variation ID: 947765). Algorithms developed to predict the effect of sequence changes on RNA splicing suggest that this variant may disrupt the consensus splice site. For these reasons, this variant has been classified as Pathogenic.

Dr. Peter K. Rogan Lab, Western University
No classification provided (evidence only). Condition: Ovarian serous cystadenocarcinoma. Review status: no classification provided. Collection method: in vitro. Allele origin: not applicable. Functional consequence: retained intron. Not counted in ClinVar's aggregate classification.

Literature cited by the submitters: PubMed 16199547 (cited by Labcorp Genetics (formerly Invitae), Labcorp); PubMed 24164096 (cited by Labcorp Genetics (formerly Invitae), Labcorp); PubMed 24355074 (cited by Labcorp Genetics (formerly Invitae), Labcorp).

NM_177924.5(ASAH1):c.918-2A>G

Gene: ASAH1 (N-acylsphingosine amidohydrolase 1; minus strand). Cytogenetic location: 8p22.
Variant type: single nucleotide variant.
Coding change: c.918-2A>G on transcript NM_177924.5 (MANE Select); the canonical splice acceptor site of the intron before coding-DNA position 918, A replaced by G.
Molecular consequence: splice acceptor variant.
Genome position (GRCh38, 1-based): chr8:18,059,466, T>C on the plus strand (A>G on the coding strand, the complement: ASAH1 is on the minus strand). VCF-style: chr8-18059466-T-C. GRCh37 (hg19) VCF-style: chr8-17916975-T-C.
Other names: c.966-2A>G (NM_004315.6); c.900-2A>G (NM_001127505.3); c.723-2A>G (NM_001363743.2).
Identifiers: ClinVar variation 947765 (VCV000947765.7), dbSNP rs747457090, ClinGen allele CA4650620.